The following is an entry in ClinVar:

NM_017777.4(MKS1):c.564_565insTTCT (p.Glu189delinsPheTer)

Gene: MKS1 (MKS transition zone complex subunit 1; minus strand). Cytogenetic location: 17q22.
Variant type: Insertion.
Coding change: c.564_565insTTCT on transcript NM_017777.4 (MANE Select); coding-DNA positions 564 to 565, TTCT inserted.
Protein change: p.Glu189delinsPheTer.
Molecular consequence: nonsense. On other transcripts: 5 prime UTR variant (1).
Genome position: GRCh38 VCF-style: chr17-58214338-C-CAGAA. GRCh37 (hg19) VCF-style: chr17-56291699-C-CAGAA.
Other names: c.-46_-45insTTCT (NM_001321268.2); c.564_565insTTCT, p.Glu189delinsPheTer (NM_001321269.2, NM_001330397.2).
Identifiers: ClinVar variation 856498 (VCV000856498.8), dbSNP rs1969063562, ClinGen allele CA916082436.
Genomic context (GRCh38, chr17:58,214,338, plus strand): 5'-CTGCCATGATGTGCATTGTCTGAAGAGGGGTGTTAATGACGTGGTTGTTCCTGACAAACT[C>CAGAA]TTCTGAGGGCTCCCAGGTGACGATGCGTGACTTGAGGATGCCGCCCTCCCTGGGAGACAC-3'

ClinVar aggregate classification (germline): Pathogenic (1 of 4 stars; one submission).

Conditions:
Meckel-Gruber syndrome. Also called: DYSENCEPHALIA SPLANCHNOCYSTICA; GRUBER SYNDROME; Dysencephalia splachnocystica. Identifiers: Orphanet 564, MedGen C0265215, MONDO:0018921.
Joubert syndrome. Also called: CEREBELLOPARENCHYMAL DISORDER IV; JOUBERT-BOLTSHAUSER SYNDROME; Familial aplasia of the vermis. Identifiers: Orphanet 475, MedGen C5979921, MONDO:0018772.

Submission:

Labcorp Genetics (formerly Invitae), Labcorp
Classification: Pathogenic for Joubert syndrome; Meckel-Gruber syndrome. Last evaluated: 2019-12-14. Review status: criteria provided, single submitter. Criteria: Invitae Variant Classification Sherloc (09022015). Collection method: clinical testing. Allele origin: germline.
Comment: This sequence change creates a premature translational stop signal (p.Glu189Phefs*2) in the MKS1 gene. It is expected to result in an absent or disrupted protein product. For these reasons, this variant has been classified as Pathogenic. Loss-of-function variants in MKS1 are known to be pathogenic (PMID: 17397051). This variant has not been reported in the literature in individuals with MKS1-related conditions. This variant is not present in population databases (ExAC no frequency).

Literature cited by the submitters: PubMed 17397051.